The following is an entry in ClinVar:

ClinVar aggregate classification (germline): Uncertain significance. Review status: criteria provided, multiple submitters, no conflicts (2 of 4 stars). 2 submissions from 2 submitters: Uncertain significance (2). Last evaluated 2024-01-18.

Conditions:
Inborn genetic diseases. Identifiers: MedGen C0950123, MeSH D030342.

Submissions (2):

Labcorp Genetics (formerly Invitae), Labcorp
Classification: Uncertain significance. Last evaluated: 2024-01-18. Review status: criteria provided, single submitter. Criteria: Invitae Variant Classification Sherloc (09022015). Collection method: clinical testing. Allele origin: germline.
Comment: This sequence change falls in intron 4 of the ATR gene. It does not directly change the encoded amino acid sequence of the ATR protein. It affects a nucleotide within the consensus splice site. This variant is not present in population databases (gnomAD no frequency). This variant has not been reported in the literature in individuals affected with ATR-related conditions. ClinVar contains an entry for this variant (Variation ID: 1041178). Variants that disrupt the consensus splice site are a relatively common cause of aberrant splicing (PMID: 17576681, 9536098). Algorithms developed to predict the effect of sequence changes on RNA splicing suggest that this variant may disrupt the consensus splice site. In summary, the available evidence is currently insufficient to determine the role of this variant in disease. Therefore, it has been classified as a Variant of Uncertain Significance.

Ambry Genetics
Classification: Uncertain significance for Inborn genetic diseases. Last evaluated: 2021-05-21. Review status: criteria provided, single submitter. Criteria: Ambry Variant Classification Scheme 2023. Collection method: clinical testing. Allele origin: germline.
Comment: The c.1170+5_1170+8delGTAA alteration is located in Intron 4 (E) of the ATR gene. This alteration consists of a deletion of 4 nucleotides between nucleotide positions c.11705 and c.11708 Intron 4 (E). Based on insufficient or conflicting evidence, the clinical significance of this alteration remains unclear.

Literature cited by the submitters: PubMed 17576681 (cited by Labcorp Genetics (formerly Invitae), Labcorp); PubMed 9536098 (cited by Labcorp Genetics (formerly Invitae), Labcorp).

NM_001184.4(ATR):c.1170+5_1170+8del

Gene: ATR (ATR checkpoint kinase; minus strand). Cytogenetic location: 3q23.
Variant type: Microsatellite.
Coding change: c.1170+5_1170+8del on transcript NM_001184.4 (MANE Select); bases 5 to 8 of the intron after coding-DNA position 1170, 4 bases deleted (GTAA; older notation c.1170+5_1170+8delGTAA).
Molecular consequence: splice donor variant.
Genome position (GRCh38, 1-based): chr3:142,562,224-142,562,227, TTAC deleted on the plus strand (GTAA on the coding strand, the reverse complement: ATR is on the minus strand); deleting any 4 consecutive bases within chr3:142,562,224-142,562,231 gives the same sequence; the c. name uses the placement nearest the transcript's 3' end. VCF-style (leftmost placement, unchanged base first): chr3-142562223-ATTAC-A. GRCh37 (hg19) VCF-style: chr3-142281065-ATTAC-A.
Other names: c.1170+5_1170+8del (NM_001354579.2); c.1170+5_1170+8delGTAA (NM_001184.3).
Identifiers: ClinVar variation 1041178 (VCV001041178.7), dbSNP rs2034909355, ClinGen allele CA1407031533.